The following is an entry in ClinVar:

ClinVar aggregate classification (germline): Likely benign (1 of 4 stars; one submission).

Conditions:
Long QT syndrome (LQTS). Identifiers: MedGen C0023976, MeSH D008133, MONDO:0002442. Disease mechanism: loss of function. Inheritance: Various modes of inheritance.

Submission:

All of Us Research Program, National Institutes of Health
Classification: Likely benign for Long QT syndrome. Last evaluated: 2023-11-20. Review status: criteria provided, single submitter. Criteria: ACMG Guidelines, 2015. Collection method: clinical testing. Allele origin: germline. Inheritance: Autosomal dominant inheritance. Observed: 1 variant allele, 1 heterozygote.
Comment: This study involves interpretation of variants in research participants for the purpose of population health screening. Participant phenotype was not available at the time of variant classification. Additional details can be found in publication PMID: 35346344, PMCID: PMC8962531

NM_000238.4(KCNH2):c.2202C>T (p.Arg734=)

Gene: KCNH2 (potassium voltage-gated channel subfamily H member 2; minus strand). Cytogenetic location: 7q36.1.
Variant type: single nucleotide variant.
Coding change: c.2202C>T on transcript NM_000238.4 (MANE Select); coding-DNA position 2202, C replaced by T.
Protein change: p.Arg734=; no amino-acid change (arginine 734 retained).
Molecular consequence: synonymous variant. On other transcripts: non-coding transcript variant (2).
Genome position (GRCh38, 1-based): chr7:150,950,364, G>A on the plus strand (C>T on the coding strand, the complement: KCNH2 is on the minus strand). VCF-style: chr7-150950364-G-A. GRCh37 (hg19) VCF-style: chr7-150647452-G-A.
Other names: c.2202C>T, p.Arg734= (NM_172056.3); c.1182C>T, p.Arg394= (NM_172057.3, NM_001204798.2); c.1914C>T, p.Arg638= (NM_001406753.1, NM_001406756.1); c.2025C>T, p.Arg675= (NM_001406755.1); c.1902C>T, p.Arg634= (NM_001406757.1).
Identifiers: ClinVar variation 3074474 (VCV003074474.1), dbSNP rs2486026764, ClinGen allele CA458871412.